The following is an entry in ClinVar:

NM_001085487.3(MYSM1):c.629A>G (p.Asn210Ser)

Gene: MYSM1 (Myb like, SWIRM and MPN domains 1; minus strand). Cytogenetic location: 1p32.1.
Variant type: single nucleotide variant.
Coding change: c.629A>G on transcript NM_001085487.3 (MANE Select); coding-DNA position 629, A replaced by G.
Protein change: p.Asn210Ser; replaces asparagine 210 with serine.
Molecular consequence: missense variant.
Genome position (GRCh38, 1-based): chr1:58,682,415, T>C on the plus strand (A>G on the coding strand, the complement: MYSM1 is on the minus strand). VCF-style: chr1-58682415-T-C. GRCh37 (hg19) VCF-style: chr1-59148087-T-C.
Other names: short protein forms N210S.
Identifiers: ClinVar variation 2777774 (VCV002777774.1), dbSNP rs201911526, ClinGen allele CA22872964.

ClinVar aggregate classification (germline): Uncertain significance (1 of 4 stars; one submission).

Allele frequency attached by ClinVar (database versions not stated): gnomAD exomes 0.00001.
gnomAD v4.1: 15 of 1,614,174 alleles (0.00093%); highest among the groups gnomAD compares: Non-Finnish European, 0.0013%; no homozygotes.

Submission:

Labcorp Genetics (formerly Invitae), Labcorp
Classification: Uncertain significance. Last evaluated: 2023-03-08. Review status: criteria provided, single submitter. Criteria: Invitae Variant Classification Sherloc (09022015). Collection method: clinical testing. Allele origin: germline.
Comment: This variant has not been reported in the literature in individuals affected with MYSM1-related conditions. This variant is not present in population databases (gnomAD no frequency). This sequence change replaces asparagine, which is neutral and polar, with serine, which is neutral and polar, at codon 210 of the MYSM1 protein (p.Asn210Ser). Advanced modeling of protein sequence and biophysical properties (such as structural, functional, and spatial information, amino acid conservation, physicochemical variation, residue mobility, and thermodynamic stability) performed at Invitae indicates that this missense variant is not expected to disrupt MYSM1 protein function. In summary, the available evidence is currently insufficient to determine the role of this variant in disease. Therefore, it has been classified as a Variant of Uncertain Significance.